The following is an entry in ClinVar:

ClinVar aggregate classification (germline): Uncertain significance. Review status: criteria provided, multiple submitters, no conflicts (2 of 4 stars). 2 submissions from 2 submitters: Uncertain significance (2). Last evaluated 2026-08-01.

Conditions:
Bethlem myopathy 1A. Also called: MYOPATHY, BENIGN CONGENITAL, WITH CONTRACTURES; Bethlem myopathy 1; Bethlem Muscular Dystrophy. Identifiers: Orphanet 610, MedGen CN029274, MONDO:0024530, OMIM 158810.

gnomAD v4.1: 8 of 1,613,904 alleles (0.0005%); highest among the groups gnomAD compares: South Asian, 0.0011%; no homozygotes.

Submissions (2):

CeGaT Center for Human Genetics Tuebingen
Classification: Uncertain significance. Last evaluated: 2026-08-01. Review status: criteria provided, single submitter. Criteria: CeGaT Center For Human Genetics Tuebingen Variant Classification Criteria Version 2. Collection method: clinical testing. Allele origin: germline. Affected: yes. Observed: 1 variant allele.
Comment: COL6A3: PM2

Labcorp Genetics (formerly Invitae), Labcorp
Classification: Uncertain significance for Bethlem myopathy 1A. Last evaluated: 2022-01-17. Review status: criteria provided, single submitter. Criteria: Invitae Variant Classification Sherloc (09022015). Collection method: clinical testing. Allele origin: germline.
Comment: This variant is not present in population databases (gnomAD no frequency). This sequence change replaces serine, which is neutral and polar, with tryptophan, which is neutral and slightly polar, at codon 154 of the COL6A3 protein (p.Ser154Trp). This variant has not been reported in the literature in individuals affected with COL6A3-related conditions. In summary, the available evidence is currently insufficient to determine the role of this variant in disease. Therefore, it has been classified as a Variant of Uncertain Significance. Advanced modeling of protein sequence and biophysical properties (such as structural, functional, and spatial information, amino acid conservation, physicochemical variation, residue mobility, and thermodynamic stability) performed at Invitae indicates that this missense variant is not expected to disrupt COL6A3 protein function.

NM_004369.4(COL6A3):c.461C>G (p.Ser154Trp)

Gene: COL6A3 (collagen type VI alpha 3 chain; minus strand). Cytogenetic location: 2q37.3.
Variant type: single nucleotide variant.
Coding change: c.461C>G on transcript NM_004369.4 (MANE Select); coding-DNA position 461, C replaced by G.
Protein change: p.Ser154Trp; replaces serine 154 with tryptophan.
Molecular consequence: missense variant. On other transcripts: intron variant (4).
Genome position (GRCh38, 1-based): chr2:237,394,835, G>C on the plus strand (C>G on the coding strand, the complement: COL6A3 is on the minus strand). VCF-style: chr2-237394835-G-C. GRCh37 (hg19) VCF-style: chr2-238303478-G-C.
Other names: c.91+1892C>G (NM_057166.5, NM_057167.4, NM_057164.5 and 1 more transcripts); short protein forms S154W.
Identifiers: ClinVar variation 2087410 (VCV002087410.5), dbSNP rs147701785, ClinGen allele CA351226976.
Genomic context (GRCh38, chr2:237,394,835, plus strand): 5'-GCAAACACGTTAACATCAGCAGACTTAAGTTCCGCTGAGGGCAGAGCAAGGCCATCCTTC[G>C]AGTGTCCATCAGTTAACACTACGATAACCTGAGGGACTCCGTCACCGGCCCGGCTTCCAG-3'
Protein context (NP_004360.2, residues 144-164): QVIVVLTDGH[Ser154Trp]KDGLALPSAE